The following is an entry in ClinVar:

NM_000257.4(MYH7):c.3861G>C (p.Leu1287=)

Gene: MYH7 (myosin heavy chain 7; minus strand). Cytogenetic location: 14q11.2.
Variant type: single nucleotide variant.
Coding change: c.3861G>C on transcript NM_000257.4 (MANE Select); coding-DNA position 3861, G replaced by C.
Protein change: p.Leu1287=; no amino-acid change (leucine 1287 retained).
Molecular consequence: synonymous variant.
Genome position (GRCh38, 1-based): chr14:23,419,288, C>G on the plus strand (G>C on the coding strand, the complement: MYH7 is on the minus strand). VCF-style: chr14-23419288-C-G. GRCh37 (hg19) VCF-style: chr14-23888497-C-G.
Identifiers: ClinVar variation 188630 (VCV000188630.67), dbSNP rs150292548, ClinGen allele CA014182.

ClinVar aggregate classification (germline): Likely benign. Review status: criteria provided, multiple submitters, no conflicts (2 of 4 stars). 15 submissions from 15 submitters: Likely benign (11). 4 of the submissions do not count toward it. Last evaluated 2026-01-26.

Conditions:
MYH7-related disorder. Also called: MYH7-related condition; MYH7-related disease; MYH7-related disorders.
Cardiovascular phenotype. Identifiers: MedGen CN230736.
Cardiomyopathy (CMYO). Also called: Cardiomyopathies. Identifiers: Orphanet 167848, MedGen C0878544, MONDO:0004994, HP:0001638. Inheritance: Various modes of inheritance.
Hypertrophic cardiomyopathy. Also called: HYPERTROPHIC MYOCARDIOPATHY. Identifiers: Orphanet 217569, MedGen C0007194, MeSH D002312, MONDO:0005045, HP:0001639.

Allele frequency attached by ClinVar (database versions not stated): gnomAD 0.00013 and 0.00014; TOPMed 0.00018; ExAC 0.00026; ESP Exome Variant Server 0.00031.
gnomAD v4.1: 385 of 1,614,068 alleles (0.024%); highest among the groups gnomAD compares: Non-Finnish European, 0.031%; no homozygotes.

Submissions (15):

Labcorp Genetics (formerly Invitae), Labcorp
Classification: Likely benign for Hypertrophic cardiomyopathy. Last evaluated: 2026-01-26. Review status: criteria provided, single submitter. Criteria: Invitae Variant Classification Sherloc (09022015). Collection method: clinical testing. Allele origin: germline.

Blueprint Genetics
Classification: Likely benign. Last evaluated: 2024-09-03. Review status: criteria provided, single submitter. Criteria: ACMG Guidelines, 2015. Collection method: clinical testing. Allele origin: germline.

All of Us Research Program, National Institutes of Health
Classification: Likely benign for Cardiomyopathy. Last evaluated: 2024-02-05. Review status: criteria provided, single submitter. Criteria: ACMG Guidelines, 2015. Collection method: clinical testing. Allele origin: germline. Inheritance: Autosomal dominant inheritance. Observed: 42 variant alleles, 42 heterozygotes.
Comment: This study involves interpretation of variants in research participants for the purpose of population health screening. Participant phenotype was not available at the time of variant classification. Additional details can be found in publication PMID: 35346344, PMCID: PMC8962531

Women's Health and Genetics/Laboratory Corporation of America, LabCorp
Classification: Likely benign. Last evaluated: 2024-01-28. Review status: criteria provided, single submitter. Criteria: LabCorp Variant Classification Summary - May 2015. Collection method: clinical testing. Allele origin: germline.

CeGaT Center for Human Genetics Tuebingen
Classification: Likely benign. Last evaluated: 2023-03-01. Review status: criteria provided, single submitter. Criteria: CeGaT Center For Human Genetics Tuebingen Variant Classification Criteria Version 2. Collection method: clinical testing. Allele origin: germline. Affected: yes. Observed: 1 variant allele.
Comment: MYH7: BP4, BP7

CHEO Genetics Diagnostic Laboratory, Children's Hospital of Eastern Ontario
Classification: Likely benign for Cardiomyopathy. Last evaluated: 2023-01-04. Review status: criteria provided, single submitter. Criteria: ACMG Guidelines, 2015. Collection method: clinical testing. Allele origin: germline.

ARUP Laboratories, Molecular Genetics and Genomics, ARUP Laboratories
Classification: Likely benign. Last evaluated: 2021-04-14. Review status: criteria provided, single submitter. Criteria: ARUP Molecular Germline Variant Investigation Process 2021. Collection method: clinical testing. Allele origin: germline.

GeneDx
Classification: Likely benign. Last evaluated: 2020-08-04. Review status: criteria provided, single submitter. Criteria: GeneDx Variant Classification Process June 2021. Collection method: clinical testing. Allele origin: germline. Affected: yes.

Ambry Genetics
Classification: Likely benign for Cardiovascular phenotype. Last evaluated: 2018-06-04. Review status: criteria provided, single submitter. Criteria: Ambry Variant Classification Scheme 2023. Collection method: clinical testing. Allele origin: germline.

Color Diagnostics, LLC DBA Color Health
Classification: Likely benign for Cardiomyopathy. Last evaluated: 2018-05-11. Review status: criteria provided, single submitter. Criteria: ACMG Guidelines, 2015. Collection method: clinical testing. Allele origin: germline.

Laboratory for Molecular Medicine, Mass General Brigham Personalized Medicine
Classification: Likely benign. Last evaluated: 2016-05-23. Review status: criteria provided, single submitter. Criteria: LMM Criteria. Collection method: clinical testing. Allele origin: germline. Observed: 1 variant allele.
Comment: p.Leu1287Leu in exon 29 of MYH7: This variant is not expected to have clinical s ignificance because it does not alter an amino acid residue and is not located w ithin the splice consensus sequence. It has been identified in 31/66738 European chromosomes by the Exome Aggregation Consortium (ExAC; dbSNP rs150292548).

PreventionGenetics, part of Exact Sciences
Classification: Likely benign for MYH7-related condition. Last evaluated: 2019-06-07. Review status: no assertion criteria provided. Collection method: clinical testing. Allele origin: germline. Not counted in ClinVar's aggregate classification.
Comment: This variant is classified as likely benign based on ACMG/AMP sequence variant interpretation guidelines (Richards et al. 2015 PMID: 25741868, with internal and published modifications).

Clinical Genetics DNA and cytogenetics Diagnostics Lab, Erasmus MC, Erasmus Medical Center
Classification: Likely benign. Review status: no assertion criteria provided. Collection method: clinical testing. Allele origin: germline. Affected: yes. Study: VKGL Data-share Consensus. Not counted in ClinVar's aggregate classification.

Diagnostic Laboratory, Department of Genetics, University Medical Center Groningen
Classification: Likely benign. Review status: no assertion criteria provided. Collection method: clinical testing. Allele origin: germline. Affected: yes. Study: VKGL Data-share Consensus. Not counted in ClinVar's aggregate classification.

Joint Genome Diagnostic Labs from Nijmegen and Maastricht, Radboudumc and MUMC+
Classification: Likely benign. Review status: no assertion criteria provided. Collection method: clinical testing. Allele origin: germline. Affected: yes. Study: VKGL Data-share Consensus. Not counted in ClinVar's aggregate classification.